The following is an entry in ClinVar:

ClinVar aggregate classification (germline): Uncertain significance (1 of 4 stars; one submission).

Allele frequency attached by ClinVar (database versions not stated): gnomAD 0.00001; TOPMed 0.00001; ExAC 0.00004.
gnomAD v4.1: 12 of 1,610,738 alleles (0.00075%); highest among the groups gnomAD compares: Admixed American, 0.018%; no homozygotes.

Submission:

Labcorp Genetics (formerly Invitae), Labcorp
Classification: Uncertain significance. Last evaluated: 2022-03-27. Review status: criteria provided, single submitter. Criteria: Invitae Variant Classification Sherloc (09022015). Collection method: clinical testing. Allele origin: germline.
Comment: In summary, the available evidence is currently insufficient to determine the role of this variant in disease. Therefore, it has been classified as a Variant of Uncertain Significance. Algorithms developed to predict the effect of missense changes on protein structure and function are either unavailable or do not agree on the potential impact of this missense change (SIFT: "Deleterious"; PolyPhen-2: "Probably Damaging"; Align-GVGD: "Class C0"). This variant has not been reported in the literature in individuals affected with DBR1-related conditions. This variant is present in population databases (rs761162405, gnomAD 0.01%). This sequence change replaces aspartic acid, which is acidic and polar, with tyrosine, which is neutral and polar, at codon 262 of the DBR1 protein (p.Asp262Tyr).

NM_016216.4(DBR1):c.784G>T (p.Asp262Tyr)

Gene: DBR1 (debranching RNA lariats 1; minus strand). Cytogenetic location: 3q22.3.
Variant type: single nucleotide variant.
Coding change: c.784G>T on transcript NM_016216.4 (MANE Select); coding-DNA position 784, G replaced by T.
Protein change: p.Asp262Tyr; replaces aspartic acid 262 with tyrosine.
Molecular consequence: missense variant.
Genome position (GRCh38, 1-based): chr3:138,163,789, C>A on the plus strand (G>T on the coding strand, the complement: DBR1 is on the minus strand). VCF-style: chr3-138163789-C-A. GRCh37 (hg19) VCF-style: chr3-137882631-C-A.
Other names: short protein forms D262Y.
Identifiers: ClinVar variation 2065386 (VCV002065386.2), dbSNP rs761162405, ClinGen allele CA2635792.